The following is an entry in ClinVar:

NM_006059.4(LAMC3):c.3674T>C (p.Val1225Ala)

Gene: LAMC3 (laminin subunit gamma 3; plus strand). Cytogenetic location: 9q34.12.
Variant type: single nucleotide variant.
Coding change: c.3674T>C on transcript NM_006059.4 (MANE Select); coding-DNA position 3674, T replaced by C.
Protein change: p.Val1225Ala; replaces valine 1225 with alanine.
Molecular consequence: missense variant.
Genome position (GRCh38, 1-based): chr9:131,077,231, T>C. VCF-style: chr9-131077231-T-C. GRCh37 (hg19) VCF-style: chr9-133952618-T-C.
Other names: short protein forms V1225A.
Identifiers: ClinVar variation 430486 (VCV000430486.38), dbSNP rs138481447, ClinGen allele CA5287896.
Genomic context (GRCh38, chr9:131,077,231, plus strand): 5'-CTCTGCTTCCTCCCAGGTACCAGGAGGTCCAGGCGGCCCAGAAAGCACTGAGGACGGCTG[T>C]GGCAGAGGTGCTGCCTGAAGCGGAAAGCGTGTTGGCCACCGTGCAGCAAGTTGGCGCAGA-3'
Protein context (NP_006050.3, residues 1215-1235): QAAQKALRTA[Val1225Ala]AEVLPEAESV

ClinVar aggregate classification (germline): Conflicting classifications of pathogenicity. Review status: criteria provided, conflicting classifications (1 of 4 stars). 7 submissions from 7 submitters: Uncertain significance (1); Likely benign (5). 1 of the submissions does not count toward it. Last evaluated 2026-01-21.

Conditions:
LAMC3-related disorder. Also called: LAMC3-related condition.
Inborn genetic diseases. Identifiers: MedGen C0950123, MeSH D030342.
Occipital pachygyria and polymicrogyria. Identifiers: Orphanet 280640, MedGen C3279875, MONDO:0013583, OMIM 614115.

Allele frequency attached by ClinVar (database versions not stated): 1000 Genomes Project 0.00020; 1000 Genomes Project 30x 0.00031; ExAC 0.00048; gnomAD exomes 0.00055 and 0.00112; gnomAD 0.00062 and 0.00068; TOPMed 0.00064; ESP Exome Variant Server 0.00077.
gnomAD v4.1: 1,723 of 1,613,992 alleles (0.11%); highest among the groups gnomAD compares: Non-Finnish European, 0.14%; 3 homozygotes.

Submissions (7):

Labcorp Genetics (formerly Invitae), Labcorp
Classification: Likely benign. Last evaluated: 2026-01-21. Review status: criteria provided, single submitter. Criteria: Invitae Variant Classification Sherloc (09022015). Collection method: clinical testing. Allele origin: germline.

Ambry Genetics
Classification: Likely benign for Inborn genetic diseases. Last evaluated: 2025-04-14. Review status: criteria provided, single submitter. Criteria: Ambry Variant Classification Scheme 2023. Collection method: clinical testing. Allele origin: germline.

Blueprint Genetics
Classification: Likely benign. Last evaluated: 2024-11-05. Review status: criteria provided, single submitter. Criteria: ACMG Guidelines, 2015. Collection method: clinical testing. Allele origin: germline.

CeGaT Center for Human Genetics Tuebingen
Classification: Likely benign. Last evaluated: 2023-02-01. Review status: criteria provided, single submitter. Criteria: CeGaT Center For Human Genetics Tuebingen Variant Classification Criteria Version 2. Collection method: clinical testing. Allele origin: germline. Affected: yes. Observed: 1 variant allele.
Comment: LAMC3: BP4

GeneDx
Classification: Likely benign. Last evaluated: 2021-01-13. Review status: criteria provided, single submitter. Criteria: GeneDx Variant Classification Process June 2021. Collection method: clinical testing. Allele origin: germline. Affected: yes.
Comment: In silico analysis supports that this missense variant does not alter protein structure/function; Has not been previously published as pathogenic or benign to our knowledge

Fulgent Genetics
Classification: Uncertain significance for Occipital pachygyria and polymicrogyria. Last evaluated: 2018-10-31. Review status: criteria provided, single submitter. Criteria: ACMG Guidelines, 2015. Collection method: clinical testing. Allele origin: unknown.

PreventionGenetics, part of Exact Sciences
Classification: Uncertain significance for LAMC3-related condition. Last evaluated: 2023-11-21. Review status: no assertion criteria provided. Collection method: clinical testing. Allele origin: germline. Not counted in ClinVar's aggregate classification.
Comment: The LAMC3 c.3674T>C variant is predicted to result in the amino acid substitution p.Val1225Ala. To our knowledge, this variant has not been reported in the literature. This variant is reported in 0.10% of alleles in individuals of European (Non-Finnish) descent in gnomAD. At this time, the clinical significance of this variant is uncertain due to the absence of conclusive functional and genetic evidence.

Literature cited by the submitters: PubMed 36413997 (cited by Ambry Genetics).